The following is an entry in ClinVar:

ClinVar aggregate classification (germline): Likely pathogenic. Review status: criteria provided, multiple submitters, no conflicts (2 of 4 stars). 2 submissions from 2 submitters: Likely pathogenic (2). Last evaluated 2024-09-23.

Conditions:
SERPING1-related disorder. Also called: SERPING1-related condition.
Hereditary angioedema type 1 (HAE1). Identifiers: Orphanet 100050, Orphanet 100051, Orphanet 91378, MedGen C2717906, MONDO:0015053, OMIM 106100.

Submissions (2):

Blueprint Genetics
Classification: Likely pathogenic for SERPING1-related disorders. Last evaluated: 2024-09-23. Review status: criteria provided, single submitter. Criteria: ACMG Guidelines, 2015. Collection method: clinical testing. Allele origin: germline. Affected: yes. Observed: 1 variant allele.

DNA-diagnostics Laboratory, Research Centre For Medical Genetics
Classification: Likely pathogenic for Hereditary angioedema type 1. Last evaluated: 2024-06-17. Review status: criteria provided, single submitter. Criteria: ACMG Guidelines, 2015. Collection method: research. Allele origin: germline. Inheritance: Autosomal dominant inheritance. Affected: yes. Observed: 1 variant allele, 1 heterozygote.
Comment: The c.686-2A>G variant in SERPING1 meets ACMG/ClinGen SVI guidance criteria to be classified as pathogenic: PVS1_Str, PS1_Mod, PM2_Sup

NM_000062.3(SERPING1):c.686-2A>G

Gene: SERPING1 (serpin family G member 1; plus strand). Cytogenetic location: 11q12.1.
Variant type: single nucleotide variant.
Coding change: c.686-2A>G on transcript NM_000062.3 (MANE Select); the canonical splice acceptor site of the intron before coding-DNA position 686, A replaced by G.
Molecular consequence: splice acceptor variant.
Genome position (GRCh38, 1-based): chr11:57,606,008, A>G. VCF-style: chr11-57606008-A-G. GRCh37 (hg19) VCF-style: chr11-57373481-A-G.
Other names: c.686-2A>G (NM_001032295.2).
Identifiers: ClinVar variation 3242409 (VCV003242409.3), dbSNP rs2495440350.